The following is an entry in ClinVar:

ClinVar aggregate classification (germline): Uncertain significance (1 of 4 stars; one submission).

Allele frequency attached by ClinVar (database versions not stated): TOPMed below 0.00001; gnomAD exomes 0.00001.
gnomAD v4.1: 9 of 1,614,204 alleles (0.00056%); highest among the groups gnomAD compares: Non-Finnish European, 0.00076%; no homozygotes.

Submission:

GeneDx
Classification: Uncertain significance. Last evaluated: 2019-11-08. Review status: criteria provided, single submitter. Criteria: GeneDx Variant Classification Process June 2021. Collection method: clinical testing. Allele origin: germline. Affected: yes.
Comment: Not observed in large population cohorts (Lek et al., 2016); In silico analysis, which includes protein predictors and evolutionary conservation, supports a deleterious effect; Has not been previously published as pathogenic or benign to our knowledge

NM_001012720.2(RGR):c.829T>C (p.Trp277Arg)

Gene: RGR (retinal G protein coupled receptor; plus strand). Cytogenetic location: 10q23.1.
Variant type: single nucleotide variant.
Coding change: c.829T>C on transcript NM_001012720.2 (MANE Select); coding-DNA position 829, T replaced by C.
Protein change: p.Trp277Arg; replaces tryptophan 277 with arginine.
Molecular consequence: missense variant.
Genome position (GRCh38, 1-based): chr10:84,258,592, T>C. VCF-style: chr10-84258592-T-C. GRCh37 (hg19) VCF-style: chr10-86018348-T-C.
Other names: c.715T>C, p.Trp239Arg (NM_001012722.2); c.841T>C, p.Trp281Arg (NM_002921.4); short protein forms W239R, W277R, W281R.
Identifiers: ClinVar variation 1309882 (VCV001309882.2), dbSNP rs1842917600, ClinGen allele CA377392461.